The following is an entry in ClinVar:

NM_015072.5(TTLL5):c.338T>C (p.Leu113Pro)

Gene: TTLL5 (tubulin tyrosine ligase like 5; plus strand). Cytogenetic location: 14q24.3.
Variant type: single nucleotide variant.
Coding change: c.338T>C on transcript NM_015072.5 (MANE Select); coding-DNA position 338, T replaced by C.
Protein change: p.Leu113Pro; replaces leucine 113 with proline.
Molecular consequence: missense variant.
Genome position (GRCh38, 1-based): chr14:75,683,623, T>C. VCF-style: chr14-75683623-T-C. GRCh37 (hg19) VCF-style: chr14-76149966-T-C.
Other names: short protein forms L113P.
Identifiers: ClinVar variation 1516854 (VCV001516854.8), dbSNP rs2140122584, ClinGen allele CA390452543.

ClinVar aggregate classification (germline): Uncertain significance (1 of 4 stars; one submission).

Submission:

Labcorp Genetics (formerly Invitae), Labcorp
Classification: Uncertain significance. Last evaluated: 2023-11-27. Review status: criteria provided, single submitter. Criteria: Invitae Variant Classification Sherloc (09022015). Collection method: clinical testing. Allele origin: germline.
Comment: This sequence change replaces leucine, which is neutral and non-polar, with proline, which is neutral and non-polar, at codon 113 of the TTLL5 protein (p.Leu113Pro). This variant is not present in population databases (gnomAD no frequency). This variant has not been reported in the literature in individuals affected with TTLL5-related conditions. ClinVar contains an entry for this variant (Variation ID: 1516854). Advanced modeling of protein sequence and biophysical properties (such as structural, functional, and spatial information, amino acid conservation, physicochemical variation, residue mobility, and thermodynamic stability) performed at Invitae indicates that this missense variant is not expected to disrupt TTLL5 protein function with a negative predictive value of 80%. In summary, the available evidence is currently insufficient to determine the role of this variant in disease. Therefore, it has been classified as a Variant of Uncertain Significance.